The following is an entry in ClinVar:

NM_152641.4(ARID2):c.3867T>C (p.His1289=)

Gene: ARID2 (AT-rich interaction domain 2; plus strand). Cytogenetic location: 12q12.
Variant type: single nucleotide variant.
Coding change: c.3867T>C on transcript NM_152641.4 (MANE Select); coding-DNA position 3867, T replaced by C.
Protein change: p.His1289=; no amino-acid change (histidine 1289 retained).
Molecular consequence: synonymous variant.
Genome position (GRCh38, 1-based): chr12:45,851,990, T>C. VCF-style: chr12-45851990-T-C. GRCh37 (hg19) VCF-style: chr12-46245773-T-C.
Other names: c.3867T>C, p.His1289= (NM_001347839.2).
Identifiers: ClinVar variation 5039478 (VCV005039478.1).
Genomic context (GRCh38, chr12:45,851,990, plus strand): 5'-GTCCTGCCGACGAGGAGCCACAAACACCAGCAATGGGGATACAAAGGAAAATGAAATGCA[T>C]GTGGGAAGTCTTTTAAATGGGAGAAAGTACAGTGACTCAAGTCTACCTCCTTCAAACTCA-3'
Protein context (NP_689854.2, residues 1279-1299): SNGDTKENEM[His1289=]VGSLLNGRKY

ClinVar aggregate classification (germline): Likely benign (1 of 4 stars; one submission).

gnomAD v4.1: 30 of 1,613,962 alleles (0.0019%); highest among the groups gnomAD compares: Middle Eastern, 0.016%; no homozygotes.

Submission:

CeGaT Center for Human Genetics Tuebingen
Classification: Likely benign. Last evaluated: 2026-08-01. Review status: criteria provided, single submitter. Criteria: CeGaT Center For Human Genetics Tuebingen Variant Classification Criteria Version 2. Collection method: clinical testing. Allele origin: germline. Affected: yes. Observed: 1 variant allele.
Comment: ARID2: BP4, BP7